The following is an entry in ClinVar:

NM_001384732.1(CPLANE1):c.9035A>G (p.His3012Arg)

Gene: CPLANE1 (ciliogenesis and planar polarity effector complex subunit 1; minus strand). Cytogenetic location: 5p13.2.
Variant type: single nucleotide variant.
Coding change: c.9035A>G on transcript NM_001384732.1 (MANE Select); coding-DNA position 9035, A replaced by G.
Protein change: p.His3012Arg; replaces histidine 3012 with arginine.
Molecular consequence: missense variant.
Genome position (GRCh38, 1-based): chr5:37,121,767, T>C on the plus strand (A>G on the coding strand, the complement: CPLANE1 is on the minus strand). VCF-style: chr5-37121767-T-C. GRCh37 (hg19) VCF-style: chr5-37121869-T-C.
Other names: c.8873A>G, p.His2958Arg (NM_023073.4); short protein forms H2958R, H3012R.
Identifiers: ClinVar variation 1442904 (VCV001442904.5), dbSNP rs753593935, ClinGen allele CA359496158.

ClinVar aggregate classification (germline): Uncertain significance (1 of 4 stars; one submission).

gnomAD v4.1: 9 of 1,613,826 alleles (0.00056%); highest among the groups gnomAD compares: Admixed American, 0.0017%; no homozygotes.

Submission:

Labcorp Genetics (formerly Invitae), Labcorp
Classification: Uncertain significance. Last evaluated: 2024-02-05. Review status: criteria provided, single submitter. Criteria: Invitae Variant Classification Sherloc (09022015). Collection method: clinical testing. Allele origin: germline.
Comment: This sequence change replaces histidine, which is basic and polar, with arginine, which is basic and polar, at codon 2958 of the CPLANE1 protein (p.His2958Arg). This variant is present in population databases (no rsID available, gnomAD 0.003%). This variant has not been reported in the literature in individuals affected with CPLANE1-related conditions. ClinVar contains an entry for this variant (Variation ID: 1442904). Advanced modeling of protein sequence and biophysical properties (such as structural, functional, and spatial information, amino acid conservation, physicochemical variation, residue mobility, and thermodynamic stability) performed at Invitae indicates that this missense variant is not expected to disrupt CPLANE1 protein function with a negative predictive value of 95%. In summary, the available evidence is currently insufficient to determine the role of this variant in disease. Therefore, it has been classified as a Variant of Uncertain Significance.